The following is an entry in ClinVar:

ClinVar aggregate classification (germline): Uncertain significance. Review status: criteria provided, multiple submitters, no conflicts (2 of 4 stars). 6 submissions from 6 submitters: Uncertain significance (6). Last evaluated 2025-08-29.

Conditions:
Senior-Loken syndrome 8 (SLSN8). Identifiers: Orphanet 3156, MedGen C4225376, MONDO:0014579, OMIM 616307.
Asphyxiating thoracic dystrophy 5 (SRTD5). Also called: SHORT-RIB THORACIC DYSPLASIA 5 WITH OR WITHOUT POLYDACTYLY; SHORT-RIB THORACIC DYSPLASIA 5 WITHOUT POLYDACTYLY. Identifiers: Orphanet 474, MedGen C3280598, MONDO:0013717, OMIM 614376.
Nephronophthisis 13 (NPHP13). Identifiers: Orphanet 655, MedGen C3280612, MONDO:0013718, OMIM 614377.
Cranioectodermal dysplasia 4 (CED4). Identifiers: Orphanet 1515, MedGen C3280616, MONDO:0013719, OMIM 614378.
Spermatogenic failure 72 (SPGF72). Identifiers: MedGen C5676980, MONDO:0030809, OMIM 619867.
Craniosynostosis syndrome. Also called: Craniosynostosis. Identifiers: Orphanet 1531, MedGen C0010278, MeSH D003398, MONDO:0015469, HP:0001363.

Allele frequency attached by ClinVar (database versions not stated): gnomAD exomes 0.00012 and 0.00013; ESP Exome Variant Server 0.00017; gnomAD 0.00017; ExAC 0.00019; TOPMed 0.00019; 1000 Genomes Project 0.00040; 1000 Genomes Project 30x 0.00047.
gnomAD v4.1: 217 of 1,613,404 alleles (0.013%); highest among the groups gnomAD compares: Middle Eastern, 0.099%; no homozygotes.

Submissions (6):

Mayo Clinic Laboratories, Mayo Clinic
Classification: Uncertain significance. Last evaluated: 2025-08-29. Review status: criteria provided, single submitter. Criteria: ACMG Guidelines, 2015. Collection method: clinical testing. Allele origin: germline. Observed: 1 variant allele.
Comment: PM3_supporting

Blueprint Genetics
Classification: Uncertain significance. Last evaluated: 2024-06-28. Review status: criteria provided, single submitter. Criteria: ACMG Guidelines, 2015. Collection method: clinical testing. Allele origin: germline.

Labcorp Genetics (formerly Invitae), Labcorp
Classification: Uncertain significance for Senior-Loken syndrome 8; Asphyxiating thoracic dystrophy 5. Last evaluated: 2022-09-07. Review status: criteria provided, single submitter. Criteria: Invitae Variant Classification Sherloc (09022015). Collection method: clinical testing. Allele origin: germline.
Comment: This sequence change replaces alanine, which is neutral and non-polar, with valine, which is neutral and non-polar, at codon 907 of the WDR19 protein (p.Ala907Val). This variant is present in population databases (rs201967816, gnomAD 0.02%). This missense change has been observed in individual(s) with craniosynostosis (PMID: 31837199). ClinVar contains an entry for this variant (Variation ID: 691914). Algorithms developed to predict the effect of missense changes on protein structure and function are either unavailable or do not agree on the potential impact of this missense change (SIFT: "Tolerated"; PolyPhen-2: "Possibly Damaging"; Align-GVGD: "Class C0"). In summary, the available evidence is currently insufficient to determine the role of this variant in disease. Therefore, it has been classified as a Variant of Uncertain Significance.

Fulgent Genetics
Classification: Uncertain significance for Asphyxiating thoracic dystrophy 5; Nephronophthisis 13; Cranioectodermal dysplasia 4; Senior-Loken syndrome 8; Spermatogenic failure 72. Last evaluated: 2021-11-12. Review status: criteria provided, single submitter. Criteria: ACMG Guidelines, 2015. Collection method: clinical testing. Allele origin: unknown.

Klinisk genetik och genomik Research, Gothenburg University
Classification: Uncertain significance for Craniosynostosis. Last evaluated: 2019-09-25. Review status: criteria provided, single submitter. Criteria: ACMG Guidelines, 2015. Collection method: research. Allele origin: germline. Affected: yes.
Comment: Co-segregating with likely pathogenic variants in TCF12 and GDF5

Breakthrough Genomics
Classification: Uncertain significance. Review status: criteria provided, single submitter. Criteria: ACMG Guidelines, 2015. Collection method: not provided. Allele origin: germline. Inheritance: Autosomal recessive inheritance. Affected: yes.

Literature cited by the submitters: PubMed 31837199 (cited by 3 submitters); PubMed 36324046 (cited by Mayo Clinic Laboratories, Mayo Clinic).

NM_025132.4(WDR19):c.2720C>T (p.Ala907Val)

Gene: WDR19 (WD repeat domain 19; plus strand). Cytogenetic location: 4p14.
Variant type: single nucleotide variant.
Coding change: c.2720C>T on transcript NM_025132.4 (MANE Select); coding-DNA position 2720, C replaced by T.
Protein change: p.Ala907Val; replaces alanine 907 with valine.
Molecular consequence: missense variant.
Genome position (GRCh38, 1-based): chr4:39,245,443, C>T. VCF-style: chr4-39245443-C-T. GRCh37 (hg19) VCF-style: chr4-39247063-C-T.
Other names: p.Ala907Val; c.2240C>T, p.Ala747Val (NM_001317924.2); short protein forms A747V, A907V.
Identifiers: ClinVar variation 691914 (VCV000691914.10), dbSNP rs201967816, ClinGen allele CA2892167.